The following is an entry in ClinVar:

ClinVar aggregate classification (germline): Uncertain significance (1 of 4 stars; one submission).

Conditions:
Developmental and epileptic encephalopathy, 12 (DEE12). Identifiers: MedGen C3150988, MONDO:0013389, OMIM 613722.

Submission:

Labcorp Genetics (formerly Invitae), Labcorp
Classification: Uncertain significance for Developmental and epileptic encephalopathy, 12. Last evaluated: 2022-01-21. Review status: criteria provided, single submitter. Criteria: Invitae Variant Classification Sherloc (09022015). Collection method: clinical testing. Allele origin: germline.
Comment: In summary, the available evidence is currently insufficient to determine the role of this variant in disease. Therefore, it has been classified as a Variant of Uncertain Significance. Variants that disrupt the consensus splice site are a relatively common cause of aberrant splicing (PMID: 17576681, 9536098). Algorithms developed to predict the effect of sequence changes on RNA splicing suggest that this variant may disrupt the consensus splice site. This variant has not been reported in the literature in individuals affected with PLCB1-related conditions. This variant is not present in population databases (gnomAD no frequency). This sequence change falls in intron 4 of the PLCB1 gene. It does not directly change the encoded amino acid sequence of the PLCB1 protein. It affects a nucleotide within the consensus splice site.

Literature cited by the submitters: PubMed 17576681; PubMed 9536098.

NM_015192.4(PLCB1):c.384+3A>G

Gene: PLCB1 (phospholipase C beta 1; plus strand). Cytogenetic location: 20p12.3.
Variant type: single nucleotide variant.
Coding change: c.384+3A>G on transcript NM_015192.4 (MANE Select); 3 bases into the intron after coding-DNA position 384, A replaced by G.
Molecular consequence: intron variant.
Genome position (GRCh38, 1-based): chr20:8,628,434, A>G. VCF-style: chr20-8628434-A-G. GRCh37 (hg19) VCF-style: chr20-8609081-A-G.
Other names: c.384+3A>G (NM_182734.3).
Identifiers: ClinVar variation 2088859 (VCV002088859.4), dbSNP rs1279996956, ClinGen allele CA2580098023.
Genomic context (GRCh38, chr20:8,628,434, plus strand): 5'-TGACCTCGTGAACATCTCCCATTTGAATCTCGTGGCTTTCCAAGAAGAAGTGGCCAAGGT[A>G]TGGTGGATGGAAATTGCTAAAGCTTATCATCATGATCTGAATCCTTGAGCTATCATACTA-3'